The following is an entry in ClinVar:

ClinVar aggregate classification (germline): Uncertain significance. Review status: criteria provided, multiple submitters, no conflicts (2 of 4 stars). 2 submissions from 2 submitters: Uncertain significance (2). Last evaluated 2025-11-23.

Allele frequency attached by ClinVar (database versions not stated): gnomAD exomes 0.00004; ExAC 0.00005; TOPMed 0.00007; gnomAD 0.00008.
gnomAD v4.1: 73 of 1,613,218 alleles (0.0045%); highest among the groups gnomAD compares: Middle Eastern, 0.033%; 1 homozygote.

Submissions (2):

Labcorp Genetics (formerly Invitae), Labcorp
Classification: Uncertain significance. Last evaluated: 2025-11-23. Review status: criteria provided, single submitter. Criteria: Invitae Variant Classification Sherloc (09022015). Collection method: clinical testing. Allele origin: germline.
Comment: This sequence change replaces proline, which is neutral and non-polar, with threonine, which is neutral and polar, at codon 27 of the NAF1 protein (p.Pro27Thr). This variant is present in population databases (rs765655091, gnomAD 0.01%). This variant has not been reported in the literature in individuals affected with NAF1-related conditions. ClinVar contains an entry for this variant (Variation ID: 2156662). An algorithm developed to predict the effect of missense changes on protein structure and function (PolyPhen-2) suggests that this variant is likely to be tolerated. Algorithms developed to predict the effect of sequence changes on RNA splicing suggest that this variant may create or strengthen a splice site. In summary, the available evidence is currently insufficient to determine the role of this variant in disease. Therefore, it has been classified as a Variant of Uncertain Significance.

Ambry Genetics
Classification: Uncertain significance. Last evaluated: 2023-05-02. Review status: criteria provided, single submitter. Criteria: Ambry Variant Classification Scheme 2023. Collection method: clinical testing. Allele origin: germline.

NM_138386.3(NAF1):c.79C>A (p.Pro27Thr)

Gene: NAF1 (nuclear assembly factor 1 ribonucleoprotein; minus strand). Cytogenetic location: 4q32.2.
Variant type: single nucleotide variant.
Coding change: c.79C>A on transcript NM_138386.3 (MANE Select); coding-DNA position 79, C replaced by A.
Protein change: p.Pro27Thr; replaces proline 27 with threonine.
Molecular consequence: missense variant.
Genome position (GRCh38, 1-based): chr4:163,166,649, G>T on the plus strand (C>A on the coding strand, the complement: NAF1 is on the minus strand). VCF-style: chr4-163166649-G-T. GRCh37 (hg19) VCF-style: chr4-164087801-G-T.
Other names: c.79C>A (NM_138386.2); c.79C>A, p.Pro27Thr (NM_001128931.2); short protein forms P27T.
Identifiers: ClinVar variation 2156662 (VCV002156662.6), dbSNP rs765655091, ClinGen allele CA3126490.
Genomic context (GRCh38, chr4:163,166,649, plus strand): 5'-ACGACTGTAGCGGCGGCTGTGTCCCTGGCACAGGGGCAGAGCCCGGAGACGGAGCCGCCG[G>T]ACCTTCCCCAACTCCAAAGTCGGTGCCATTGAATTTCAGAGTTTCCAGCTGAGCGGCGGC-3'
Protein context (NP_612395.2, residues 17-37): NGTDFGVGEG[Pro27Thr]AAPSPGSAPV